The following is an entry in ClinVar:

NM_000059.4(BRCA2):c.9621dup (p.Ile3208fs)

Gene: BRCA2 (BRCA2 DNA repair associated; plus strand). Cytogenetic location: 13q13.1.
Variant type: Duplication.
Coding change: c.9621dup on transcript NM_000059.4 (MANE Select); coding-DNA position 9621, one base duplicated (C; older notation c.9621dupC).
Protein change: p.Ile3208fs; shifts the reading frame from isoleucine 3208.
Molecular consequence: frameshift variant. On other transcripts: non-coding transcript variant (1).
Genome position (GRCh38, 1-based): chr13:32,397,017, C duplicated. VCF-style (leftmost placement, unchanged base first): chr13-32397016-T-TC. GRCh37 (hg19) VCF-style: chr13-32971153-T-TC.
Other names: c.9525dup, p.Ile3176fs (NM_001406719.1); c.9570dup, p.Ile3191fs (NM_001406720.1); c.4689dup, p.Ile1564fs (NM_001406721.1); c.3204dup, p.Ile1069fs (NM_001406722.1); c.9621dup, p.Ile3208fs (NM_001432077.1); short protein forms I1069fs, I1564fs, I3176fs, I3191fs, I3208fs.
Identifiers: ClinVar variation 4294244 (VCV004294244.1).

ClinVar aggregate classification (germline): Pathogenic (1 of 4 stars; one submission).

Conditions:
Breast-ovarian cancer, familial, susceptibility to, 2 (BROVCA2). Also called: BRCA2 Hereditary Breast and Ovarian Cancer. Identifiers: Orphanet 145, MedGen C2675520, MONDO:0012933, OMIM 612555. Disease mechanism: loss of function.

Submission:

Myriad Genetics, Inc.
Classification: Pathogenic for Breast-ovarian cancer, familial, susceptibility to, 2. Last evaluated: 2025-07-29. Review status: criteria provided, single submitter. Criteria: Myriad Autosomal Dominant, Autosomal Recessive and X-Linked Classification Criteria (2023). Collection method: clinical testing. Allele origin: unknown.
Comment: This variant is considered pathogenic. This variant creates a frameshift predicted to result in premature protein truncation.